The following is an entry in ClinVar:

ClinVar aggregate classification (germline): Uncertain significance. Review status: criteria provided, single submitter (1 of 4 stars). 2 submissions from 2 submitters: Uncertain significance (1). 1 of the submissions does not count toward it. Last evaluated 2021-12-15.

Conditions:
Bardet-Biedl syndrome (BBS). Identifiers: Orphanet 110, MedGen C0752166, MONDO:0015229.

Allele frequency attached by ClinVar (database versions not stated): gnomAD exomes below 0.00001; TOPMed below 0.00001; gnomAD 0.00001.
gnomAD v4.1: 4 of 1,613,700 alleles (0.00025%); highest among the groups gnomAD compares: Admixed American, 0.0017%; no homozygotes.

Submissions (2):

Labcorp Genetics (formerly Invitae), Labcorp
Classification: Uncertain significance for Bardet-Biedl syndrome. Last evaluated: 2021-12-15. Review status: criteria provided, single submitter. Criteria: Invitae Variant Classification Sherloc (09022015). Collection method: clinical testing. Allele origin: germline.
Comment: This sequence change replaces phenylalanine, which is neutral and non-polar, with leucine, which is neutral and non-polar, at codon 641 of the BBS7 protein (p.Phe641Leu). This variant is not present in population databases (gnomAD no frequency). This variant has not been reported in the literature in individuals affected with BBS7-related conditions. Algorithms developed to predict the effect of missense changes on protein structure and function are either unavailable or do not agree on the potential impact of this missense change (SIFT: "Deleterious"; PolyPhen-2: "Benign"; Align-GVGD: "Class C15"). In summary, the available evidence is currently insufficient to determine the role of this variant in disease. Therefore, it has been classified as a Variant of Uncertain Significance.

Genetic Services Laboratory, University of Chicago
Classification: Uncertain significance. Last evaluated: 2022-06-01. Review status: no assertion criteria provided. Collection method: clinical testing. Allele origin: germline. Affected: no. Not counted in ClinVar's aggregate classification.
Comment: DNA sequence analysis of the BBS7 gene demonstrated a sequence change, c.1923T>A, in exon 18 that results in an amino acid change, p.Phe641Leu. This sequence change does not appear to have been previously described in individuals with BBS7-related disorders and has also not been described in population databases such as ExAC and gnomAD. The p.Phe641Leu change affects a highly conserved amino acid residue located in a domain of the BBS7 protein that is known to be functional. In-silico pathogenicity prediction tools (SIFT, PolyPhen2, Align GVGD, REVEL) provide contradictory results for the p.Phe641Leu substitution. Due to insufficient evidences and the lack of functional studies, the clinical significance of the p.Phe641Leu change remains unknown at this time.

NM_176824.3(BBS7):c.1923T>A (p.Phe641Leu)

Gene: BBS7 (Bardet-Biedl syndrome 7; minus strand). Cytogenetic location: 4q27.
Variant type: single nucleotide variant.
Coding change: c.1923T>A on transcript NM_176824.3 (MANE Select); coding-DNA position 1923, T replaced by A.
Protein change: p.Phe641Leu; replaces phenylalanine 641 with leucine.
Molecular consequence: missense variant.
Genome position (GRCh38, 1-based): chr4:121,828,237, A>T on the plus strand (T>A on the coding strand, the complement: BBS7 is on the minus strand). VCF-style: chr4-121828237-A-T. GRCh37 (hg19) VCF-style: chr4-122749392-A-T.
Other names: c.1923T>A, p.Phe641Leu (NM_018190.4); short protein forms F641L.
Identifiers: ClinVar variation 1939765 (VCV001939765.4), dbSNP rs748634596, ClinGen allele CA358054424.
Genomic context (GRCh38, chr4:121,828,237, plus strand): 5'-TTTGTATTCTTCCTGTAGGTGATCTGCCTCTTCTAGAATACAGTGATATTCTGGTATCAG[A>T]AAGTTCGTATTTCCCTCATGAATCTGTAATTCCTATTTAAAATGAAAAACAGAAGCACCT-3'
Protein context (NP_789794.1, residues 631-651): ELQIHEGNTN[Phe641Leu]LIPEYHCILE